The following is an entry in ClinVar:

NM_004006.3(DMD):c.3031C>G (p.Pro1011Ala)

Gene: DMD (dystrophin; minus strand). Cytogenetic location: Xp21.1.
Variant type: single nucleotide variant.
Coding change: c.3031C>G on transcript NM_004006.3 (MANE Select); coding-DNA position 3031, C replaced by G.
Protein change: p.Pro1011Ala; replaces proline 1011 with alanine.
Molecular consequence: missense variant.
Genome position (GRCh38, 1-based): chrX:32,468,629, G>C on the plus strand (C>G on the coding strand, the complement: DMD is on the minus strand). VCF-style: chrX-32468629-G-C. GRCh37 (hg19) VCF-style: chrX-32486746-G-C.
Other names: c.3007C>G, p.Pro1003Ala (NM_000109.4); c.3019C>G, p.Pro1007Ala (NM_004009.3); c.2662C>G, p.Pro888Ala (NM_004010.3); short protein forms P1003A, P1007A, P1011A, P888A.
Identifiers: ClinVar variation 4882269 (VCV004882269.2).

ClinVar aggregate classification (germline): Uncertain significance (1 of 4 stars; one submission).

Submission:

Dasa
Classification: Uncertain significance. Last evaluated: 2025-09-05. Review status: criteria provided, single submitter. Criteria: DASA Assertion Criteria. Collection method: clinical testing. Allele origin: germline.
Comment: NM_004006.3(DMD):c.3031C>G (p.Pro1011Ala) is a missense variant that results in the substitution of proline with alanine. This variant is absent from population databases. Computational prediction algorithms are consistent with a benign effect. The currently available literature and clinical evidence are not sufficient to establish a definitive association between this variant and the reported condition. Therefore, this variant is classified as a variant of uncertain significance.